The following is an entry in ClinVar:

NM_015047.3(EMC1):c.1090G>C (p.Asp364His)

Genes: EMC1 (ER membrane protein complex subunit 1; minus strand), EMC1-AS1 (EMC1 antisense RNA 1; plus strand). Cytogenetic location: 1p36.13.
Variant type: single nucleotide variant.
Coding change: c.1090G>C on transcript NM_015047.3 (MANE Select); coding-DNA position 1090, G replaced by C.
Protein change: p.Asp364His; replaces aspartic acid 364 with histidine.
Molecular consequence: missense variant.
Genome position (GRCh38, 1-based): chr1:19,238,139, C>G on the plus strand (G>C on the coding strand, the complement: EMC1 is on the minus strand). VCF-style: chr1-19238139-C-G. GRCh37 (hg19) VCF-style: chr1-19564633-C-G.
Other names: c.1087G>C, p.Asp363His (NM_001271427.2, NM_001375821.1); c.1090G>C, p.Asp364His (NM_001271428.2, NM_001375820.1); c.1024G>C, p.Asp342His (NM_001271429.2); short protein forms D363H, D342H, D364H.
Identifiers: ClinVar variation 1470878 (VCV001470878.6), dbSNP rs773174389, ClinGen allele CA338766817.

ClinVar aggregate classification (germline): Uncertain significance (1 of 4 stars; one submission).

Submission:

Labcorp Genetics (formerly Invitae), Labcorp
Classification: Uncertain significance. Last evaluated: 2025-08-11. Review status: criteria provided, single submitter. Criteria: Invitae Variant Classification Sherloc (09022015). Collection method: clinical testing. Allele origin: germline.
Comment: This sequence change replaces aspartic acid, which is acidic and polar, with histidine, which is basic and polar, at codon 364 of the EMC1 protein (p.Asp364His). This variant is not present in population databases (gnomAD no frequency). This variant has not been reported in the literature in individuals affected with EMC1-related conditions. ClinVar contains an entry for this variant (Variation ID: 1470878). An algorithm developed to predict the effect of missense changes on protein structure and function (PolyPhen-2) suggests that this variant is likely to be tolerated. In summary, the available evidence is currently insufficient to determine the role of this variant in disease. Therefore, it has been classified as a Variant of Uncertain Significance.